The following is an entry in ClinVar:

NC_000007.13:g.(?_26400575)_(26404785_?)dup

Gene: SNX10 (sorting nexin 10; plus strand). Cytogenetic location: 7p15.2.
Variant type: Duplication.
Identifiers: ClinVar variation 3245867 (VCV003245867.1).

ClinVar aggregate classification (germline): Likely pathogenic (1 of 4 stars; one submission).

Submission:

Labcorp Genetics (formerly Invitae), Labcorp
Classification: Likely pathogenic. Last evaluated: 2023-02-03. Review status: criteria provided, single submitter. Criteria: Invitae Variant Classification Sherloc (09022015). Collection method: clinical testing. Allele origin: unknown.
Comment: This variant results in a copy number gain of the genomic region encompassing exon(s) 3-5 of the SNX10 gene. While the exact position of this variant cannot be determined from the data, sub-genic copy number gains are generally in tandem (PMID: 25640679). This variant is predicted to be out-of-frame, and may result in an absent or disrupted protein product. Loss-of-function variants in SNX10 are known to be pathogenic (PMID: 23123320, 23280965, 25811986). This variant has not been reported in the literature in individuals affected with SNX10-related conditions. In summary, the currently available evidence indicates that the variant is pathogenic, but additional data are needed to prove that conclusively. Therefore, this variant has been classified as Likely Pathogenic.

Literature cited by the submitters: PubMed 25640679; PubMed 23123320; PubMed 23280965; PubMed 25811986.